The following is an entry in ClinVar:

ClinVar aggregate classification (germline): Uncertain significance (1 of 4 stars; one submission).

gnomAD v4.1: 1 of 1,513,414 alleles (0.000066%); highest among the groups gnomAD compares: South Asian, 0.0012%; no homozygotes.

Submission:

GeneDx
Classification: Uncertain significance. Last evaluated: 2023-08-11. Review status: criteria provided, single submitter. Criteria: GeneDx Variant Classification Process June 2021. Collection method: clinical testing. Allele origin: germline. Affected: yes.
Comment: Not observed at significant frequency in large population cohorts (gnomAD); In silico analysis supports that this missense variant does not alter protein structure/function; Has not been previously published as pathogenic or benign to our knowledge

NM_003119.4(SPG7):c.82G>C (p.Ala28Pro)

Genes: SPG7 (SPG7 matrix AAA peptidase subunit, paraplegin; plus strand), LOC130059818 (ATAC-STARR-seq lymphoblastoid silent region 7911; plus strand). Cytogenetic location: 16q24.3.
Variant type: single nucleotide variant.
Coding change: c.82G>C on transcript NM_003119.4 (MANE Select); coding-DNA position 82, G replaced by C.
Protein change: p.Ala28Pro; replaces alanine 28 with proline.
Molecular consequence: missense variant.
Genome position (GRCh38, 1-based): chr16:89,508,499, G>C. VCF-style: chr16-89508499-G-C. GRCh37 (hg19) VCF-style: chr16-89574907-G-C.
Other names: c.82G>C, p.Ala28Pro (NM_001363850.1, NM_199367.3); short protein forms A28P.
Identifiers: ClinVar variation 3361814 (VCV003361814.1).